The following is an entry in ClinVar:

NM_177438.3(DICER1):c.3215C>T (p.Ala1072Val)

Gene: DICER1 (dicer 1, ribonuclease III; minus strand). Cytogenetic location: 14q32.13.
Variant type: single nucleotide variant.
Coding change: c.3215C>T on transcript NM_177438.3 (MANE Select); coding-DNA position 3215, C replaced by T.
Protein change: p.Ala1072Val; replaces alanine 1072 with valine.
Molecular consequence: missense variant. On other transcripts: non-coding transcript variant (6).
Genome position (GRCh38, 1-based): chr14:95,105,125, G>A on the plus strand (C>T on the coding strand, the complement: DICER1 is on the minus strand). VCF-style: chr14-95105125-G-A. GRCh37 (hg19) VCF-style: chr14-95571462-G-A.
Other names: c.3215C>T, p.Ala1072Val (NM_001195573.1, NM_001271282.3, NM_001291628.2 and 12 more transcripts); c.2933C>T, p.Ala978Val (NM_001395686.1); c.2810C>T, p.Ala937Val (NM_001395687.1, NM_001395688.1, NM_001395689.1 and 2 more transcripts); c.2648C>T, p.Ala883Val (NM_001395691.1); c.1532C>T, p.Ala511Val (NM_001395697.1); short protein forms A883V, A978V, A1072V, A511V, A937V.
Identifiers: ClinVar variation 4637196 (VCV004637196.1).
Genomic context (GRCh38, chr14:95,105,125, plus strand): 5'-GCATACCTAAAATCCGCAGGAAGTGATCTGACTCCCACGCCAGCATCGCTGGCAGTCTGG[G>A]CTCTTAGCTCCTCTGCAGTCAAAAGGCAGTGAAGGCGATAAAGTATGCTGGGGAGACAAA-3'
Protein context (NP_803187.1, residues 1062-1082): HCLLTAEELR[Ala1072Val]QTASDAGVGV

ClinVar aggregate classification (germline): Uncertain significance (1 of 4 stars; one submission).

Conditions:
Hereditary cancer-predisposing syndrome. Also called: Neoplastic Syndromes, Hereditary; Tumor predisposition; Hereditary Cancer Syndrome; Hereditary neoplastic syndrome. Identifiers: Orphanet 140162, MedGen C0027672, MeSH D009386, MONDO:0015356.

Submission:

Ambry Genetics
Classification: Uncertain significance for Hereditary cancer-predisposing syndrome. Last evaluated: 2025-10-16. Review status: criteria provided, single submitter. Criteria: Ambry Variant Classification Scheme 2023. Collection method: clinical testing. Allele origin: germline.
Comment: The p.A1072V variant (also known as c.3215C>T), located in coding exon 19 of the DICER1 gene, results from a C to T substitution at nucleotide position 3215. The alanine at codon 1072 is replaced by valine, an amino acid with similar properties. This amino acid position is conserved. In addition, this alteration is predicted to be tolerated by in silico analysis. Based on the available evidence, the clinical significance of this variant remains unclear.